The following is an entry in ClinVar:

NM_000629.3(IFNAR1):c.358T>C (p.Phe120Leu)

Gene: IFNAR1 (interferon alpha and beta receptor subunit 1; plus strand). Cytogenetic location: 21q22.11.
Variant type: single nucleotide variant.
Coding change: c.358T>C on transcript NM_000629.3 (MANE Select); coding-DNA position 358, T replaced by C.
Protein change: p.Phe120Leu; replaces phenylalanine 120 with leucine.
Molecular consequence: missense variant. On other transcripts: 5 prime UTR variant (2).
Genome position (GRCh38, 1-based): chr21:33,341,156, T>C. VCF-style: chr21-33341156-T-C. GRCh37 (hg19) VCF-style: chr21-34713462-T-C.
Other names: c.358T>C, p.Phe120Leu (NM_001384498.1, NM_001384499.1, NM_001384501.1 and 1 more transcripts); c.-429T>C (NM_001384500.1); c.-105T>C (NM_001384502.1); c.151T>C, p.Phe51Leu (NM_001384504.1); c.358T>C (NM_000629.2); short protein forms F120L, F51L.
Identifiers: ClinVar variation 1477562 (VCV001477562.9), dbSNP rs2083289688, ClinGen allele CA410106852.
Genomic context (GRCh38, chr21:33,341,156, plus strand): 5'-ATTAAATTGCGTATAAGAGCAGAAAAAGAAAACACTTCTTCATGGTATGAGGTTGACTCA[T>C]TTACACCATTTCGCAAAGGTAAGAAAAAGTTGCTAGCTGAATTATATTCTTTAGTAAATA-3'
Protein context (NP_000620.2, residues 110-130): NTSSWYEVDS[Phe120Leu]TPFRKAQIGP

ClinVar aggregate classification (germline): Uncertain significance (1 of 4 stars; one submission).

Allele frequency attached by ClinVar (database versions not stated): gnomAD 0.00001; TOPMed below 0.00001.

Submission:

Labcorp Genetics (formerly Invitae), Labcorp
Classification: Uncertain significance. Last evaluated: 2021-02-03. Review status: criteria provided, single submitter. Criteria: Invitae Variant Classification Sherloc (09022015). Collection method: clinical testing. Allele origin: germline.
Comment: In summary, the available evidence is currently insufficient to determine the role of this variant in disease. Therefore, it has been classified as a Variant of Uncertain Significance. Algorithms developed to predict the effect of missense changes on protein structure and function are either unavailable or do not agree on the potential impact of this missense change (SIFT: "Tolerated"; PolyPhen-2: "Probably Damaging"; Align-GVGD: "Class C0"). This variant has not been reported in the literature in individuals with IFNAR1-related conditions. This variant is not present in population databases (ExAC no frequency). This sequence change replaces phenylalanine with leucine at codon 120 of the IFNAR1 protein (p.Phe120Leu). The phenylalanine residue is moderately conserved and there is a small physicochemical difference between phenylalanine and leucine.